The following is an entry in ClinVar:

NM_000444.6(PHEX):c.1021del (p.Val341fs)

Gene: PHEX (phosphate regulating endopeptidase X-linked; plus strand). Cytogenetic location: Xp22.11.
Variant type: Deletion.
Coding change: c.1021del on transcript NM_000444.6 (MANE Select); coding-DNA position 1021, one base deleted (G; older notation c.1021delG).
Protein change: p.Val341fs; shifts the reading frame from valine 341.
Molecular consequence: frameshift variant.
Genome position (GRCh38, 1-based): chrX:22,099,093, G deleted; the last of 2 consecutive G bases (chrX:22,099,092-22,099,093); deleting either gives the same sequence. VCF-style (leftmost placement, unchanged base first): chrX-22099091-TG-T. GRCh37 (hg19) VCF-style: chrX-22117209-TG-T.
Other names: c.1021del, p.Val341fs (NM_001282754.2); short protein forms V341fs.
Identifiers: ClinVar variation 941076 (VCV000941076.7), dbSNP rs1930300418, ClinGen allele CA1139667290.

ClinVar aggregate classification (germline): Pathogenic (1 of 4 stars; one submission).

Submission:

Labcorp Genetics (formerly Invitae), Labcorp
Classification: Pathogenic. Last evaluated: 2021-02-23. Review status: criteria provided, single submitter. Criteria: Invitae Variant Classification Sherloc (09022015). Collection method: clinical testing. Allele origin: germline.
Comment: This sequence change creates a premature translational stop signal (p.Val341Serfs*14) in the PHEX gene. It is expected to result in an absent or disrupted protein product. Loss-of-function variants in PHEX are known to be pathogenic (PMID: 9097956, 9106524, 19219621). This variant is not present in population databases (ExAC no frequency). This variant has not been reported in the literature in individuals with PHEX-related conditions. ClinVar contains an entry for this variant (Variation ID: 941076). For these reasons, this variant has been classified as Pathogenic.

Literature cited by the submitters: PubMed 9097956; PubMed 9106524; PubMed 19219621.